The following is an entry in ClinVar:

NM_015335.5(MED13L):c.2363C>G (p.Ala788Gly)

Gene: MED13L (mediator complex subunit 13L; minus strand). Cytogenetic location: 12q24.21.
Variant type: single nucleotide variant.
Coding change: c.2363C>G on transcript NM_015335.5 (MANE Select); coding-DNA position 2363, C replaced by G.
Protein change: p.Ala788Gly; replaces alanine 788 with glycine.
Molecular consequence: missense variant.
Genome position (GRCh38, 1-based): chr12:116,005,975, G>C on the plus strand (C>G on the coding strand, the complement: MED13L is on the minus strand). VCF-style: chr12-116005975-G-C. GRCh37 (hg19) VCF-style: chr12-116443780-G-C.
Other names: short protein forms A788G.
Identifiers: ClinVar variation 3897358 (VCV003897358.1).

ClinVar aggregate classification (germline): Uncertain significance (1 of 4 stars; one submission).

gnomAD v4.1: 7 of 1,613,942 alleles (0.00043%); highest among the groups gnomAD compares: Non-Finnish European, 0.00059%; no homozygotes.

Submission:

GeneDx
Classification: Uncertain significance. Last evaluated: 2024-10-29. Review status: criteria provided, single submitter. Criteria: GeneDx Variant Classification Process June 2021. Collection method: clinical testing. Allele origin: germline. Affected: yes.
Comment: In silico analysis indicates that this missense variant does not alter protein structure/function; Has not been previously published as pathogenic or benign to our knowledge